The following is an entry in ClinVar:

NM_000528.4(MAN2B1):c.70_74delinsTTTT (p.Met24fs)

Genes: MAN2B1 (mannosidase alpha class 2B member 1; minus strand), LOC130063650 (ATAC-STARR-seq lymphoblastoid silent region 10156; plus strand). Cytogenetic location: 19p13.13.
Variant type: Indel.
Coding change: c.70_74delinsTTTT on transcript NM_000528.4 (MANE Select); coding-DNA positions 70 to 74, ATGTC replaced by TTTT.
Protein change: p.Met24fs; shifts the reading frame from methionine 24.
Molecular consequence: frameshift variant.
Genome position (GRCh38, 1-based): chr19:12,666,628-12,666,632, GACAT replaced by AAAA on the plus strand (ATGTC replaced by TTTT on the coding strand, the reverse complement: MAN2B1 is on the minus strand). VCF-style: chr19-12666628-GACAT-AAAA. GRCh37 (hg19) VCF-style: chr19-12777442-GACAT-AAAA.
Other names: c.70_74delinsTTTT, p.Met24fs (NM_001173498.2, NM_001440570.1); short protein forms M24fs.
Identifiers: ClinVar variation 4814319 (VCV004814319.1).

ClinVar aggregate classification (germline): Likely pathogenic (1 of 4 stars; one submission).

Conditions:
Deficiency of alpha-mannosidase (MANSA). Also called: Alpha-Mannosidosis; Mannosidosis, alpha-, types I and II; LYSOSOMAL ALPHA-D-MANNOSIDASE DEFICIENCY. Identifiers: Orphanet 61, MedGen C0024748, MONDO:0009561, OMIM 248500.

Submission:

Natera, Inc.
Classification: Likely pathogenic for Alpha-mannosidosis. Last evaluated: 2025-08-15. Review status: criteria provided, single submitter. Criteria: Natera Variant Classification Schema (03/2026). Collection method: clinical testing. Allele origin: germline.
Comment: The c.70_74delinsTTTT variant in MAN2B1 is a frameshift variant predicted to shift the reading frame beginning at codon 24 and leads to a stop codon 40 codons downstream. This variant is expected to result in nonsense mediated decay, truncation, or a dysfunctional protein product. This variant is rare in the general population with a frequency below the threshold expected for the associated phenotype(s). Given the available evidence, this variant is classified as Likely Pathogenic.